The following is an entry in ClinVar:

ClinVar aggregate classification (germline): Uncertain significance. Review status: criteria provided, single submitter (1 of 4 stars). 2 submissions from 2 submitters: Uncertain significance (1). 1 of the submissions does not count toward it. Last evaluated 2022-06-29.

Conditions:
CEP290-related disorder. Also called: CEP290-related disorders; CEP290-related condition. Identifiers: MedGen CN239314.
Joubert syndrome. Also called: CEREBELLOPARENCHYMAL DISORDER IV; JOUBERT-BOLTSHAUSER SYNDROME; Familial aplasia of the vermis. Identifiers: Orphanet 475, MedGen C5979921, MONDO:0018772.
Nephronophthisis. Also called: Juvenile Nephronophthisis. Identifiers: Orphanet 655, MedGen C0687120, MONDO:0019005, HP:0000090.
Meckel-Gruber syndrome. Also called: DYSENCEPHALIA SPLANCHNOCYSTICA; GRUBER SYNDROME; Dysencephalia splachnocystica. Identifiers: Orphanet 564, MedGen C0265215, MONDO:0018921.

Allele frequency attached by ClinVar (database versions not stated): gnomAD exomes 0.00001.
gnomAD v4.1: 9 of 1,584,614 alleles (0.00057%); highest among the groups gnomAD compares: Non-Finnish European, 0.00077%; no homozygotes.

Submissions (2):

Labcorp Genetics (formerly Invitae), Labcorp
Classification: Uncertain significance for Joubert syndrome; Meckel-Gruber syndrome; Nephronophthisis. Last evaluated: 2022-06-29. Review status: criteria provided, single submitter. Criteria: Invitae Variant Classification Sherloc (09022015). Collection method: clinical testing. Allele origin: germline.
Comment: This sequence change replaces proline, which is neutral and non-polar, with arginine, which is basic and polar, at codon 2477 of the CEP290 protein (p.Pro2477Arg). This variant is not present in population databases (gnomAD no frequency). This variant has not been reported in the literature in individuals affected with CEP290-related conditions. Algorithms developed to predict the effect of missense changes on protein structure and function are either unavailable or do not agree on the potential impact of this missense change (SIFT: "Deleterious"; PolyPhen-2: "Probably Damaging"; Align-GVGD: "Class C0"). In summary, the available evidence is currently insufficient to determine the role of this variant in disease. Therefore, it has been classified as a Variant of Uncertain Significance.

PreventionGenetics, part of Exact Sciences
Classification: Uncertain significance for CEP290-related condition. Last evaluated: 2024-08-27. Review status: no assertion criteria provided. Collection method: clinical testing. Allele origin: germline. Not counted in ClinVar's aggregate classification.
Comment: The CEP290 c.7430C>G variant is predicted to result in the amino acid substitution p.Pro2477Arg. This variant was reported in the heterozygous state as a variant of uncertain significance in an individual with fundus albipunctatus (Tan et al. 2023. PubMed ID: 38002575). This variant has not been reported in gnomAD, indicating this variant is rare. At this time, the clinical significance of this variant is uncertain due to the absence of conclusive functional and genetic evidence.

NM_025114.4(CEP290):c.7430C>G (p.Pro2477Arg)

Genes: CEP290 (centrosomal protein 290; minus strand), RLIG1 (RNA 5'-phosphate and 3'-OH ligase 1; plus strand). Cytogenetic location: 12q21.32.
Variant type: single nucleotide variant.
Coding change: c.7430C>G on transcript NM_025114.4 (MANE Select); coding-DNA position 7430, C replaced by G.
Protein change: p.Pro2477Arg; replaces proline 2477 with arginine.
Molecular consequence: missense variant. On other transcripts: 3 prime UTR variant (1).
Genome position (GRCh38, 1-based): chr12:88,049,194, G>C on the plus strand (C>G on the coding strand, the complement: CEP290 is on the minus strand). VCF-style: chr12-88049194-G-C. GRCh37 (hg19) VCF-style: chr12-88442971-G-C.
Other names: c.*772G>C (NM_001009894.3); c.7430C>G (NM_025114.3); short protein forms P2477R.
Identifiers: ClinVar variation 1402662 (VCV001402662.6), dbSNP rs2033224468, ClinGen allele CA385971853.
Genomic context (GRCh38, chr12:88,049,194, plus strand): 5'-ACTTATAAAGTTAATAAATAGTTAAATGAAACAAAGTTTATAGGTGACCTTTAGTAAATG[G>C]GGAAATTAACAGGACTTTCTTCTTCATCTTCAAACTCTTCAGAAGCAGCAACAGGGCTAG-3'
Protein context (NP_079390.3, residues 2467-2479): EDEEESPVNF[Pro2477Arg]IY